The following is an entry in ClinVar:

NM_000181.4(GUSB):c.211-8C>G

Gene: GUSB (glucuronidase beta; minus strand). Cytogenetic location: 7q11.21.
Variant type: single nucleotide variant.
Coding change: c.211-8C>G on transcript NM_000181.4 (MANE Select); 8 bases into the intron before coding-DNA position 211, C replaced by G.
Molecular consequence: intron variant.
Genome position (GRCh38, 1-based): chr7:65,980,417, G>C on the plus strand (C>G on the coding strand, the complement: GUSB is on the minus strand). VCF-style: chr7-65980417-G-C. GRCh37 (hg19) VCF-style: chr7-65445404-G-C.
Other names: c.-119-8C>G (NM_001293105.2); c.-175-8C>G (NM_001293104.2); c.211-8C>G (NM_001284290.2).
Identifiers: ClinVar variation 360554 (VCV000360554.17), dbSNP rs2293340, ClinGen allele CA4276709.

ClinVar aggregate classification (germline): Conflicting classifications of pathogenicity. Review status: criteria provided, conflicting classifications (1 of 4 stars). 4 submissions from 4 submitters: Uncertain significance (1); Likely benign (3). Last evaluated 2026-05-26.

Conditions:
Mucopolysaccharidosis type 7 (MPS7). Also called: BETA-GLUCURONIDASE DEFICIENCY; MPS VII; GUSB DEFICIENCY; SLY SYNDROME. Identifiers: Orphanet 584, MedGen C0085132, MONDO:0009662, OMIM 253220.
GUSB-related disorder. Also called: GUSB-related condition.

Allele frequency attached by ClinVar (database versions not stated): TOPMed 0.00003; gnomAD 0.00005 and 0.00010; gnomAD exomes 0.00008; ExAC 0.00017; 1000 Genomes Project 30x 0.00062; 1000 Genomes Project 0.00080.

Submissions (5):

PreventionGenetics, part of Exact Sciences
Classification: Likely benign for GUSB-related condition. Last evaluated: 2026-05-26. Review status: criteria provided, single submitter. Criteria: ACMG Guidelines, 2015. Collection method: clinical testing. Allele origin: germline.
Comment: This variant is classified as likely benign based on ACMG/AMP sequence variant interpretation guidelines (Richards et al. 2015 PMID: 25741868, with internal and published modifications).

Labcorp Genetics (formerly Invitae), Labcorp
Classification: Likely benign for Mucopolysaccharidosis type 7. Last evaluated: 2026-01-11. Review status: criteria provided, single submitter. Criteria: Invitae Variant Classification Sherloc (09022015). Collection method: clinical testing. Allele origin: germline.

Blueprint Genetics
Classification: Likely benign. Last evaluated: 2021-12-13. Review status: criteria provided, single submitter. Criteria: ACMG Guidelines, 2015. Collection method: clinical testing. Allele origin: germline.

Illumina Laboratory Services, Illumina
Classification: Uncertain significance for Mucopolysaccharidosis type 7. Last evaluated: 2018-01-13. Review status: criteria provided, single submitter. Criteria: ICSL Variant Classification Criteria 13 December 2019. Collection method: clinical testing. Allele origin: germline.

Dr. Peter K. Rogan Lab, Western University
No classification provided (evidence only). Condition: Hepatocellular carcinoma. Review status: no classification provided. Collection method: in vitro. Allele origin: not applicable. Functional consequence: retained intron. Not counted in ClinVar's aggregate classification.